The following is an entry in ClinVar:

ClinVar aggregate classification (germline): Benign. Review status: criteria provided, single submitter (1 of 4 stars). 2 submissions from 2 submitters: Benign (1). 1 of the submissions does not count toward it. Last evaluated 2019-03-24.

Allele frequency attached by ClinVar (database versions not stated): gnomAD exomes 0.00236 and 0.00512; ExAC 0.01085; gnomAD 0.01910 and 0.02048; 1000 Genomes Project 0.02157; 1000 Genomes Project 30x 0.02171; TOPMed 0.02262.
gnomAD v4.1: 4,537 of 795,316 alleles (0.57%); highest among the groups gnomAD compares: African/African-American, 6.6%; 140 homozygotes.

Submissions (2):

GeneDx
Classification: Benign. Last evaluated: 2019-03-24. Review status: criteria provided, single submitter. Criteria: GeneDx Variant Classification Process June 2021. Collection method: clinical testing. Allele origin: germline. Affected: yes.

ITMI
No classification provided. Condition: AllHighlyPenetrant. Last evaluated: 2013-09-19. Review status: no classification provided. Collection method: reference population. Allele origin: germline. Not counted in ClinVar's aggregate classification.
Comment: Please see associated publication for description of ethnicities

Literature cited by the submitters: PubMed 24728327 (cited by ITMI).

NM_000400.4(ERCC2):c.1119-116C>G

Gene: ERCC2 (ERCC excision repair 2, TFIIH core complex helicase subunit; minus strand). Cytogenetic location: 19q13.32.
Variant type: single nucleotide variant.
Coding change: c.1119-116C>G on transcript NM_000400.4 (MANE Select); 116 bases into the intron before coding-DNA position 1119, C replaced by G.
Molecular consequence: intron variant.
Genome position (GRCh38, 1-based): chr19:45,361,758, G>C on the plus strand (C>G on the coding strand, the complement: ERCC2 is on the minus strand). VCF-style: chr19-45361758-G-C. GRCh37 (hg19) VCF-style: chr19-45865016-G-C.
Other names: c.1047-116C>G (NM_001130867.2).
Identifiers: ClinVar variation 135530 (VCV000135530.3), dbSNP rs73559309, ClinGen allele CA162987.